The following is an entry in ClinVar:

ClinVar aggregate classification (germline): Uncertain significance. Review status: criteria provided, multiple submitters, no conflicts (2 of 4 stars). 2 submissions from 2 submitters: Uncertain significance (2). Last evaluated 2024-03-19.

Conditions:
Hereditary cancer-predisposing syndrome. Also called: Tumor predisposition; Hereditary Cancer Syndrome; Hereditary neoplastic syndrome; Neoplastic Syndromes, Hereditary. Identifiers: Orphanet 140162, MedGen C0027672, MeSH D009386, MONDO:0015356.
POLD1-related polyposis and colorectal cancer syndrome (CRCS10). Also called: Colorectal cancer 10; COLORECTAL CANCER, SUSCEPTIBILITY TO, ON CHROMOSOME 19q; Colorectal cancer, susceptibility to, 10. Identifiers: Orphanet 220460, MedGen C2675481, MONDO:0012953, OMIM 612591.

Submissions (2):

Ambry Genetics
Classification: Uncertain significance for Hereditary cancer-predisposing syndrome. Last evaluated: 2024-03-19. Review status: criteria provided, single submitter. Criteria: Ambry Variant Classification Scheme 2023. Collection method: clinical testing. Allele origin: germline.
Comment: The p.R537T variant (also known as c.1610G>C), located in coding exon 12 of the POLD1 gene, results from a G to C substitution at nucleotide position 1610. The arginine at codon 537 is replaced by threonine, an amino acid with similar properties. This amino acid position is highly conserved in available vertebrate species. In addition, this alteration is predicted to be deleterious by in silico analysis. Since supporting evidence is limited at this time, the clinical significance of this alteration remains unclear.

Labcorp Genetics (formerly Invitae), Labcorp
Classification: Uncertain significance for POLD1-related polyposis and colorectal cancer syndrome. Last evaluated: 2022-01-19. Review status: criteria provided, single submitter. Criteria: Invitae Variant Classification Sherloc (09022015). Collection method: clinical testing. Allele origin: germline.
Comment: In summary, the available evidence is currently insufficient to determine the role of this variant in disease. Therefore, it has been classified as a Variant of Uncertain Significance. Algorithms developed to predict the effect of missense changes on protein structure and function (SIFT, PolyPhen-2, Align-GVGD) all suggest that this variant is likely to be disruptive. ClinVar contains an entry for this variant (Variation ID: 486077). This variant has not been reported in the literature in individuals affected with POLD1-related conditions. This variant is not present in population databases (gnomAD no frequency). This sequence change replaces arginine, which is basic and polar, with threonine, which is neutral and polar, at codon 537 of the POLD1 protein (p.Arg537Thr).

NM_002691.4(POLD1):c.1610G>C (p.Arg537Thr)

Gene: POLD1 (DNA polymerase delta 1, catalytic subunit; plus strand). Cytogenetic location: 19q13.33.
Variant type: single nucleotide variant.
Coding change: c.1610G>C on transcript NM_002691.4 (MANE Select); coding-DNA position 1610, G replaced by C.
Protein change: p.Arg537Thr; replaces arginine 537 with threonine.
Molecular consequence: missense variant. On other transcripts: non-coding transcript variant (1).
Genome position (GRCh38, 1-based): chr19:50,407,098, G>C. VCF-style: chr19-50407098-G-C. GRCh37 (hg19) VCF-style: chr19-50910355-G-C.
Other names: c.1610G>C, p.Arg537Thr (NM_001256849.1, NM_001308632.1); short protein forms R537T.
Identifiers: ClinVar variation 486077 (VCV000486077.14), dbSNP rs1555791415, ClinGen allele CA406980968.